The following is an entry in ClinVar:

NM_001127511.3(APC):c.-183G>C

Genes: APC (APC regulator of Wnt signaling pathway; plus strand), LOC129994371 (ATAC-STARR-seq lymphoblastoid active region 22910; plus strand). Cytogenetic location: 5q22.2.
Variant type: single nucleotide variant.
Coding change: c.-183G>C on transcript NM_001127511.3; 183 bases upstream of the start codon, G replaced by C.
Molecular consequence: 5 prime UTR variant. On other transcripts: non-coding transcript variant (2).
Genome position (GRCh38, 1-based): chr5:112,707,535, G>C. VCF-style: chr5-112707535-G-C. GRCh37 (hg19) VCF-style: chr5-112043232-G-C.
Other names: c.-366G>C (NM_001354895.2, NM_001407447.1, NM_001407452.1 and 3 more transcripts); c.-183G>C (NM_001354897.2, NM_001354902.2, NM_001407446.1); c.-133G>C (NM_001407448.1, NM_001407450.1, NM_001407457.1 and 1 more transcripts); c.-157G>C (NM_001407453.1); c.-1401G>C (NM_001407470.1, NM_001407472.1).
Identifiers: ClinVar variation 3625915 (VCV003625915.2).

ClinVar aggregate classification (germline): Uncertain significance (1 of 4 stars; one submission).

Conditions:
Familial adenomatous polyposis 1 (FAP1). Also called: FAMILIAL ADENOMATOUS POLYPOSIS 1, ATTENUATED; POLYPOSIS, ADENOMATOUS INTESTINAL. Identifiers: MedGen C2713442, MONDO:0021056, OMIM 175100. Disease mechanism: loss of function.

Submission:

Labcorp Genetics (formerly Invitae), Labcorp
Classification: Uncertain significance for Familial adenomatous polyposis 1. Last evaluated: 2024-09-17. Review status: criteria provided, single submitter. Criteria: Invitae Variant Classification Sherloc (09022015). Collection method: clinical testing. Allele origin: germline.
Comment: This variant occurs in a non-coding region of the APC gene. It does not change the encoded amino acid sequence of the APC protein. This variant is not present in population databases (gnomAD no frequency). This variant has not been reported in the literature in individuals affected with APC-related conditions. In summary, the available evidence is currently insufficient to determine the role of this variant in disease. Therefore, it has been classified as a Variant of Uncertain Significance.